The following is an entry in ClinVar:

NM_000038.6(APC):c.7831A>T (p.Thr2611Ser)

Gene: APC (APC regulator of Wnt signaling pathway; plus strand). Cytogenetic location: 5q22.2.
Variant type: single nucleotide variant.
Coding change: c.7831A>T on transcript NM_000038.6 (MANE Select); coding-DNA position 7831, A replaced by T.
Protein change: p.Thr2611Ser; replaces threonine 2611 with serine.
Molecular consequence: missense variant.
Genome position (GRCh38, 1-based): chr5:112,843,425, A>T. VCF-style: chr5-112843425-A-T. GRCh37 (hg19) VCF-style: chr5-112179122-A-T.
Other names: c.7831A>T, p.Thr2611Ser (NM_001127510.3, NM_001354895.2); c.7777A>T, p.Thr2593Ser (NM_001127511.3); c.7885A>T, p.Thr2629Ser (NM_001354896.2); c.7861A>T, p.Thr2621Ser (NM_001354897.2); c.7756A>T, p.Thr2586Ser (NM_001354898.2); c.7747A>T, p.Thr2583Ser (NM_001354899.2); c.7708A>T, p.Thr2570Ser (NM_001354900.2); c.7654A>T, p.Thr2552Ser (NM_001354901.2); and 5 more; short protein forms T2593S, T2611S, T2328S, T2485S, T2510S, T2583S, T2586S, T2451S.
Identifiers: ClinVar variation 486776 (VCV000486776.5), dbSNP rs1554088689, ClinGen allele CA16038345.
Genomic context (GRCh38, chr5:112,843,425, plus strand): 5'-CATGTGAACTCTATTTCAGGAACCAAACAAAGTAAAGAAAACCAAGTATCCGCAAAAGGA[A>T]CATGGAGAAAAATAAAAGAAAATGAATTTTCTCCCACAAATAGTACTTCTCAGACCGTTT-3'
Protein context (NP_000029.2, residues 2601-2621): SKENQVSAKG[Thr2611Ser]WRKIKENEFS

ClinVar aggregate classification (germline): Uncertain significance (1 of 4 stars; one submission).

Conditions:
Hereditary cancer-predisposing syndrome. Also called: Tumor predisposition; Hereditary Cancer Syndrome; Hereditary neoplastic syndrome; Neoplastic Syndromes, Hereditary. Identifiers: Orphanet 140162, MedGen C0027672, MeSH D009386, MONDO:0015356.

Submission:

Ambry Genetics
Classification: Uncertain significance for Hereditary cancer-predisposing syndrome. Last evaluated: 2017-01-19. Review status: criteria provided, single submitter. Criteria: Ambry Variant Classification Scheme 2023. Collection method: clinical testing. Allele origin: germline.
Comment: The p.T2611S variant (also known as c.7831A>T), located in coding exon 15 of the APC gene, results from an A to T substitution at nucleotide position 7831. The threonine at codon 2611 is replaced by serine, an amino acid with similar properties. This amino acid position is highly conserved in available vertebrate species. In addition, in silico predictors for this gene do not accurately predict pathogenicity. Since supporting evidence is limited at this time, the clinical significance of this alteration remains unclear.